The following is an entry in ClinVar:

NM_000169.3(GLA):c.506T>C (p.Phe169Ser)

Genes: GLA (galactosidase alpha; minus strand), RPL36A-HNRNPH2 (RPL36A-HNRNPH2 readthrough; plus strand). Cytogenetic location: Xq22.1.
Variant type: single nucleotide variant.
Coding change: c.506T>C on transcript NM_000169.3 (MANE Select); coding-DNA position 506, T replaced by C.
Protein change: p.Phe169Ser; replaces phenylalanine 169 with serine.
Molecular consequence: missense variant. On other transcripts: non-coding transcript variant (3), intron variant (2).
Genome position (GRCh38, 1-based): chrX:101,401,673, A>G on the plus strand (T>C on the coding strand, the complement: GLA is on the minus strand). VCF-style: chrX-101401673-A-G. GRCh37 (hg19) VCF-style: chrX-100656661-A-G.
Other names: c.629T>C, p.Phe210Ser (NM_001406747.1, NM_001406749.1); c.506T>C, p.Phe169Ser (NM_001406748.1); c.300+6216A>G (NM_001199973.2); c.177+9851A>G (NM_001199974.2); short protein forms F169S, F210S.
Identifiers: ClinVar variation 4087399 (VCV004087399.2).

ClinVar aggregate classification (germline): Likely pathogenic (1 of 4 stars; one submission).

Conditions:
Fabry disease. Also called: ALPHA-GALACTOSIDASE A DEFICIENCY; ANDERSON-FABRY DISEASE; CERAMIDE TRIHEXOSIDASE DEFICIENCY; GLA DEFICIENCY; HEREDITARY DYSTOPIC LIPIDOSIS; Angiokeratoma corporis diffusum. Identifiers: Orphanet 324, MedGen C0002986, MONDO:0010526, OMIM 301500, HP:0001071. Disease mechanism: Fabry disease is due to inactivating mutations in the X-linked GLA gene resulting in deficiency of the enzyme Alpha Galactosidase-A., loss of function.

Submission:

Genomenon, Inc
Classification: Likely pathogenic for Fabry disease. Last evaluated: 2026-09-08. Review status: criteria provided, single submitter. Criteria: Genomenon Sequence Variant Interpretation Standards - Updated. Collection method: curation. Allele origin: germline. Affected: yes.
Comment: GLA p.Phe169Ser (c.506T>C) is a missense variant that changes the amino acid at codon 169 from Phenylalanine to Serine. This variant has been observed in at least one proband with clinical features consistent with Fabry disease (PMID:20022777;25468650;23430946;17452128;11322659). Functional or patient cell studies have been reported (PMID:27657681;17452128). This variant is located in a mutational hotspot and/or important functional domain. It is absent or not present at a significant frequency in gnomAD. In silico models predict that this variant is possibly or probably damaging. In conclusion, we classify GLA p.Phe169Ser (c.506T>C) as a likely pathogenic variant.

Literature cited by the submitters: PubMed 20022777; PubMed 25468650; PubMed 23430946; PubMed 17452128; PubMed 11322659; PubMed 27657681.